The following is an entry in ClinVar:

ClinVar aggregate classification (germline): Pathogenic (1 of 4 stars; one submission).

Submission:

Labcorp Genetics (formerly Invitae), Labcorp
Classification: Pathogenic. Last evaluated: 2022-08-08. Review status: criteria provided, single submitter. Criteria: Invitae Variant Classification Sherloc (09022015). Collection method: clinical testing. Allele origin: germline.
Comment: For these reasons, this variant has been classified as Pathogenic. This variant has not been reported in the literature in individuals affected with CPLANE1-related conditions. This variant is not present in population databases (gnomAD no frequency). This sequence change creates a premature translational stop signal (p.Ser1962*) in the CPLANE1 gene. It is expected to result in an absent or disrupted protein product. Loss-of-function variants in CPLANE1 are known to be pathogenic (PMID: 24178751, 26092869).

Literature cited by the submitters: PubMed 24178751; PubMed 26092869.

NM_001384732.1(CPLANE1):c.5885C>A (p.Ser1962Ter)

Gene: CPLANE1 (ciliogenesis and planar polarity effector complex subunit 1; minus strand). Cytogenetic location: 5p13.2.
Variant type: single nucleotide variant.
Coding change: c.5885C>A on transcript NM_001384732.1 (MANE Select); coding-DNA position 5885, C replaced by A.
Protein change: p.Ser1962Ter; replaces serine 1962 with a stop codon.
Molecular consequence: nonsense.
Genome position (GRCh38, 1-based): chr5:37,177,636, G>T on the plus strand (C>A on the coding strand, the complement: CPLANE1 is on the minus strand). VCF-style: chr5-37177636-G-T. GRCh37 (hg19) VCF-style: chr5-37177738-G-T.
Other names: c.5885C>A, p.Ser1962Ter (NM_023073.4); short protein forms S1962*.
Identifiers: ClinVar variation 2140691 (VCV002140691.4), dbSNP rs768454790, ClinGen allele CA359487163.